The following is an entry in ClinVar:

NM_000045.4(ARG1):c.459del (p.Gly154fs)

Genes: ARG1 (arginase 1; plus strand), MED23 (mediator complex subunit 23; minus strand). Cytogenetic location: 6q23.2.
Variant type: Deletion.
Coding change: c.459del on transcript NM_000045.4 (MANE Select); coding-DNA position 459, one base deleted (A; older notation c.459delA).
Protein change: p.Gly154fs; shifts the reading frame from glycine 154.
Molecular consequence: frameshift variant. On other transcripts: non-coding transcript variant (1), intron variant (3).
Genome position (GRCh38, 1-based): chr6:131,581,372, A deleted; the last of 4 consecutive A bases (chr6:131,581,369-131,581,372); deleting any one gives the same sequence. VCF-style (leftmost placement, unchanged base first): chr6-131581368-TA-T. GRCh37 (hg19) VCF-style: chr6-131902508-TA-T.
Other names: c.483del, p.Gly162fs (NM_001244438.2); c.306-1688del (NM_001369020.1); c.4077+6340del (NM_001270521.2); c.4095+6340del (NM_015979.4); short protein forms G154fs, G162fs.
Identifiers: ClinVar variation 1725846 (VCV001725846.2), dbSNP rs2482370169, ClinGen allele CA2580075123.

ClinVar aggregate classification (germline): Likely pathogenic (1 of 4 stars; one submission).

Conditions:
Arginase deficiency. Also called: Arginase 1 Deficiency; ARGININEMIA; ARG1 DEFICIENCY. Identifiers: Orphanet 90, MedGen C0268548, MONDO:0008814, OMIM 207800.

Submission:

Myriad Genetics, Inc.
Classification: Likely pathogenic for Arginase deficiency. Last evaluated: 2022-04-03. Review status: criteria provided, single submitter. Criteria: Myriad Women's Health Autosomal Recessive and X-Linked Classification Criteria (2021). Collection method: clinical testing. Allele origin: unknown.
Comment: NM_000045.3(ARG1):c.459delA(G154Efs*12) is expected to be pathogenic in the context of argininemia. This variant is predicted to lead to an abnormal or absent protein product due to the creation of a premature termination codon in ARG1, a gene where loss-of-function variants are known to be pathogenic. Please note: this variant was assessed in the context of healthy population screening.